The following is an entry in ClinVar:

NM_000049.4(ASPA):c.241_242delinsT (p.Lys80_Lys81insTer)

Genes: ASPA (aspartoacylase; plus strand), SPATA22 (spermatogenesis associated 22; minus strand). Cytogenetic location: 17p13.2.
Variant type: Indel.
Coding change: c.241_242delinsT on transcript NM_000049.4 (MANE Select); coding-DNA positions 241 to 242, AA replaced by T.
Protein change: p.Lys80_Lys81insTer.
Molecular consequence: nonsense. On other transcripts: intron variant (2).
Genome position (GRCh38, 1-based): chr17:3,481,607-3,481,608, AA replaced by T. VCF-style: chr17-3481607-AA-T. GRCh37 (hg19) VCF-style: chr17-3384901-AA-T.
Other names: c.241_242delinsT, p.Lys80_Lys81insTer (NM_001128085.1); c.-73-12210_-73-12209delinsA (NM_001321336.2, NM_001321337.2).
Identifiers: ClinVar variation 4818411 (VCV004818411.1).

ClinVar aggregate classification (germline): Likely pathogenic (1 of 4 stars; one submission).

Conditions:
Spongy degeneration of central nervous system. Also called: ACY2 DEFICIENCY; AMINOACYLASE 2 DEFICIENCY; ASP DEFICIENCY; ASPA DEFICIENCY; ASPARTOACYLASE DEFICIENCY; CANAVAN-VAN BOGAERT-BERTRAND DISEASE. Identifiers: Orphanet 141, MedGen C0206307, MONDO:0010079, OMIM 271900.

Submission:

Natera, Inc.
Classification: Likely pathogenic for Canavan Disease. Last evaluated: 2024-05-09. Review status: criteria provided, single submitter. Criteria: Natera Variant Classification Schema (03/2026). Collection method: clinical testing. Allele origin: germline.
Comment: The c.241_242delAAinsT variant in ASPA is a frameshift variant predicted to shift the reading frame and introduce a stop codon. This variant is expected to result in nonsense mediated decay, truncation, or a dysfunctional protein product. This variant is rare in the general population with a frequency below the threshold expected for the associated phenotype(s). Given the available evidence, this variant is classified as Likely Pathogenic.